The following is an entry in ClinVar:

NM_002184.4(IL6ST):c.2009C>T (p.Thr670Ile)

Gene: IL6ST (interleukin 6 cytokine family signal transducer; minus strand). Cytogenetic location: 5q11.2.
Variant type: single nucleotide variant.
Coding change: c.2009C>T on transcript NM_002184.4 (MANE Select); coding-DNA position 2009, C replaced by T.
Protein change: p.Thr670Ile; replaces threonine 670 with isoleucine.
Molecular consequence: missense variant. On other transcripts: 3 prime UTR variant (1), non-coding transcript variant (2).
Genome position (GRCh38, 1-based): chr5:55,942,680, G>A on the plus strand (C>T on the coding strand, the complement: IL6ST is on the minus strand). VCF-style: chr5-55942680-G-A. GRCh37 (hg19) VCF-style: chr5-55238508-G-A.
Other names: c.1826C>T, p.Thr609Ile (NM_001190981.2); c.1907C>T, p.Thr636Ile (NM_001364275.2); c.1799C>T, p.Thr600Ile (NM_001364276.2); c.1142C>T, p.Thr381Ile (NM_001364277.2); c.1106C>T, p.Thr369Ile (NM_001364278.2); c.1013C>T, p.Thr338Ile (NM_001364279.2); c.*936C>T (NM_175767.3); short protein forms T369I, T600I, T609I, T670I, T381I, T636I, T338I.
Identifiers: ClinVar variation 2044345 (VCV002044345.4), dbSNP rs1264917743, ClinGen allele CA359780819.
Genomic context (GRCh38, chr5:55,942,680, plus strand): 5'-CTACTAACATGTCTGTATATTATAAACAACTCAGAAGCATTTTCTCTTACCCTTGGAGGA[G>A]TGTGAGGTGACCACTGGGCAATATGACTCTTTGAAGGATCTGGAACATTAGGCCAGATGT-3'
Protein context (NP_002175.2, residues 660-680): KSHIAQWSPH[Thr670Ile]PPRHNFNSKD

ClinVar aggregate classification (germline): Uncertain significance (1 of 4 stars; one submission).

Allele frequency attached by ClinVar (database versions not stated): TOPMed below 0.00001.
gnomAD v4.1: 5 of 1,588,176 alleles (0.00031%); highest among the groups gnomAD compares: Admixed American, 0.0017%; no homozygotes.

Submission:

Labcorp Genetics (formerly Invitae), Labcorp
Classification: Uncertain significance. Last evaluated: 2023-05-30. Review status: criteria provided, single submitter. Criteria: Invitae Variant Classification Sherloc (09022015). Collection method: clinical testing. Allele origin: germline.
Comment: ClinVar contains an entry for this variant (Variation ID: 2044345). An algorithm developed to predict the effect of missense changes on protein structure and function (PolyPhen-2) suggests that this variant is likely to be tolerated. In summary, the available evidence is currently insufficient to determine the role of this variant in disease. Therefore, it has been classified as a Variant of Uncertain Significance. This variant has not been reported in the literature in individuals affected with IL6ST-related conditions. This sequence change replaces threonine, which is neutral and polar, with isoleucine, which is neutral and non-polar, at codon 670 of the IL6ST protein (p.Thr670Ile). This variant is present in population databases (no rsID available, gnomAD 0.0009%).